The following is an entry in ClinVar:

ClinVar aggregate classification (germline): Uncertain significance. Review status: criteria provided, multiple submitters, no conflicts (2 of 4 stars). 2 submissions from 2 submitters: Uncertain significance (2). Last evaluated 2024-08-29.

Submissions (2):

Blueprint Genetics
Classification: Uncertain significance. Last evaluated: 2024-08-29. Review status: criteria provided, single submitter. Criteria: ACMG Guidelines, 2015. Collection method: clinical testing. Allele origin: germline.

GeneDx
Classification: Uncertain significance. Last evaluated: 2022-12-12. Review status: criteria provided, single submitter. Criteria: GeneDx Variant Classification Process June 2021. Collection method: clinical testing. Allele origin: germline. Affected: yes.
Comment: Not observed at significant frequency in large population cohorts (gnomAD); In silico analysis supports that this missense variant has a deleterious effect on protein structure/function; Has not been previously published as pathogenic or benign to our knowledge

NM_001127222.2(CACNA1A):c.2092C>T (p.Leu698Phe)

Gene: CACNA1A (calcium voltage-gated channel subunit alpha1 A; minus strand). Cytogenetic location: 19p13.13.
Variant type: single nucleotide variant.
Coding change: c.2092C>T on transcript NM_001127222.2 (MANE Select); coding-DNA position 2092, C replaced by T.
Protein change: p.Leu698Phe; replaces leucine 698 with phenylalanine.
Molecular consequence: missense variant.
Genome position (GRCh38, 1-based): chr19:13,303,779, G>A on the plus strand (C>T on the coding strand, the complement: CACNA1A is on the minus strand). VCF-style: chr19-13303779-G-A. GRCh37 (hg19) VCF-style: chr19-13414593-G-A.
Other names: c.2095C>T, p.Leu699Phe (NM_000068.4, NM_001127221.2, NM_001174080.2 and 1 more transcripts); short protein forms L698F, L699F.
Identifiers: ClinVar variation 2504855 (VCV002504855.2), dbSNP rs2512931265, ClinGen allele CA404344282.